The following is an entry in ClinVar:

NM_177972.3(TUB):c.928T>C (p.Ser310Pro)

Genes: RIC3 (RIC3 acetylcholine receptor chaperone; minus strand), TUB (TUB bipartite transcription factor; plus strand). Cytogenetic location: 11p15.4.
Variant type: single nucleotide variant.
Coding change: c.928T>C on transcript NM_177972.3 (MANE Select); coding-DNA position 928, T replaced by C.
Protein change: p.Ser310Pro; replaces serine 310 with proline.
Molecular consequence: missense variant.
Genome position (GRCh38, 1-based): chr11:8,097,756, T>C. VCF-style: chr11-8097756-T-C. GRCh37 (hg19) VCF-style: chr11-8119303-T-C.
Other names: c.1093T>C, p.Ser365Pro (NM_003320.5); short protein forms S310P, S365P.
Identifiers: ClinVar variation 1721788 (VCV001721788.5), dbSNP rs2539256514, ClinGen allele CA379569618.
Genomic context (GRCh38, chr11:8,097,756, plus strand): 5'-CTCATTCCACTCCCCAAGGTGTTCCTCCTGGCGGGAAGGAAGAGAAAGAAGAGTAAAACT[T>C]CCAATTACCTCATCTCTGTGGACCCAACAGACTTGTCTCGAGGAGGGGACAGCTATATCG-3'
Protein context (NP_813977.1, residues 300-320): AGRKRKKSKT[Ser310Pro]NYLISVDPTD

ClinVar aggregate classification (germline): Uncertain significance (1 of 4 stars; one submission).

Submission:

Labcorp Genetics (formerly Invitae), Labcorp
Classification: Uncertain significance. Last evaluated: 2024-10-29. Review status: criteria provided, single submitter. Criteria: Invitae Variant Classification Sherloc (09022015). Collection method: clinical testing. Allele origin: germline.
Comment: This sequence change replaces serine, which is neutral and polar, with proline, which is neutral and non-polar, at codon 365 of the TUB protein (p.Ser365Pro). This variant is not present in population databases (gnomAD no frequency). This variant has not been reported in the literature in individuals affected with TUB-related conditions. ClinVar contains an entry for this variant (Variation ID: 1721788). An algorithm developed to predict the effect of missense changes on protein structure and function (PolyPhen-2) suggests that this variant is likely to be disruptive. In summary, the available evidence is currently insufficient to determine the role of this variant in disease. Therefore, it has been classified as a Variant of Uncertain Significance.